The following is an entry in ClinVar:

ClinVar aggregate classification (germline): Benign. Review status: criteria provided, multiple submitters, no conflicts (2 of 4 stars). 3 submissions from 3 submitters: Benign (3). Last evaluated 2021-12-05.

Conditions:
Cerebellar ataxia, impaired intellectual development, and dysequilibrium syndrome 1. Also called: CEREBELLAR ATAXIA AND MENTAL RETARDATION WITH OR WITHOUT QUADRUPEDAL LOCOMOTION 1; CEREBELLAR ATAXIA, CONGENITAL, AND MENTAL RETARDATION, AUTOSOMAL RECESSIVE; Cerebellar ataxia, intellectual disability, and dysequilibrium syndrome 1; VLDLR Cerebellar Hypoplasia; Cerebellar ataxia, mental retardation, and dysequilibrium syndrome 1; Cerebellar hypoplasia and mental retardation with or without quadrupedal locomotion 1. Identifiers: Orphanet 1766, MedGen C4551552, MONDO:0024542, OMIM 224050.

Allele frequency attached by ClinVar (database versions not stated): ESP Exome Variant Server 0.15070; 1000 Genomes Project 0.07927; TOPMed 0.13472; gnomAD 0.14528 and 0.14831; 1000 Genomes Project 30x 0.08151; ExAC 0.14507; gnomAD exomes 0.17365.

Submissions (3):

Genome-Nilou Lab
Classification: Benign for Cerebellar ataxia, impaired intellectual development, and dysequilibrium syndrome 1. Last evaluated: 2021-12-05. Review status: criteria provided, single submitter. Criteria: ACMG Guidelines, 2015. Collection method: clinical testing. Allele origin: germline. Affected: no.

GeneDx
Classification: Benign. Last evaluated: 2018-06-14. Review status: criteria provided, single submitter. Criteria: GeneDx Variant Classification (06012015). Collection method: clinical testing. Allele origin: germline. Affected: yes.
Comment: This variant is considered likely benign or benign based on one or more of the following criteria: it is a conservative change, it occurs at a poorly conserved position in the protein, it is predicted to be benign by multiple in silico algorithms, and/or has population frequency not consistent with disease.

Breakthrough Genomics
Classification: Benign. Review status: criteria provided, single submitter. Criteria: ACMG Guidelines, 2015. Collection method: not provided. Allele origin: germline. Inheritance: Autosomal recessive inheritance. Affected: yes.

NM_003383.5(VLDLR):c.1312+27G>A

Gene: VLDLR (very low density lipoprotein receptor; plus strand). Cytogenetic location: 9p24.2.
Variant type: single nucleotide variant.
Coding change: c.1312+27G>A on transcript NM_003383.5 (MANE Select); 27 bases into the intron after coding-DNA position 1312, G replaced by A.
Molecular consequence: intron variant.
Genome position (GRCh38, 1-based): chr9:2,645,109, G>A. VCF-style: chr9-2645109-G-A. GRCh37 (hg19) VCF-style: chr9-2645109-G-A.
Other names: c.1312+27G>A (NM_001018056.3); c.1189+27G>A (NM_001322225.2, NM_001322226.2).
Identifiers: ClinVar variation 674397 (VCV000674397.3), dbSNP rs11793899, ClinGen allele CA4964795.